The following is an entry in ClinVar:

NM_001267550.2(TTN):c.63229_63230del (p.Thr21077fs)

Genes: TTN (titin; minus strand), TTN-AS1 (TTN antisense RNA 1; plus strand). Cytogenetic location: 2q31.2.
Variant type: Deletion.
Coding change: c.63229_63230del on transcript NM_001267550.2 (MANE Select); coding-DNA positions 63229 to 63230, 2 bases deleted (AC; older notation c.63229_63230delAC).
Protein change: p.Thr21077fs; shifts the reading frame from threonine 21077.
Molecular consequence: frameshift variant.
Genome position (GRCh38, 1-based): chr2:178,588,177-178,588,178, GT deleted on the plus strand (AC on the coding strand, the reverse complement: TTN is on the minus strand). VCF-style (leftmost placement, unchanged base first): chr2-178588176-GGT-G. GRCh37 (hg19) VCF-style: chr2-179452903-GGT-G.
Other names: c.58306_58307del, p.Thr19436fs (NM_001256850.1); c.36034_36035del, p.Thr12012fs (NM_003319.4); c.55525_55526del, p.Thr18509fs (NM_133378.4); c.36409_36410del, p.Thr12137fs (NM_133432.3); c.36610_36611del, p.Thr12204fs (NM_133437.4); c.58306_58307delAC (NM_001256850.1); short protein forms T12012fs, T12137fs, T12204fs, T18509fs, T19436fs, T21077fs.
Identifiers: ClinVar variation 545917 (VCV000545917.2), dbSNP rs1553638608, ClinGen allele CA658821716.

ClinVar aggregate classification (germline): Likely pathogenic (1 of 4 stars; one submission).

Submission:

GeneDx
Classification: Likely pathogenic. Last evaluated: 2018-05-09. Review status: criteria provided, single submitter. Criteria: GeneDx Variant Classification (06012015). Collection method: clinical testing. Allele origin: germline. Affected: yes.
Comment: The c.58306_58307delAC variant in the TTN gene has not been reported previously as a pathogenic variant, nor as a benign variant, to our knowledge. The c.58306_58307delAC variant causes a frameshift starting with codon Threonine 19436, changes this amino acid to a Glutamine residue, and creates a premature Stop codon at position 14 of the new reading frame, denoted p.Thr19436GlnfsX14. This variant is predicted to cause loss of normal protein function either through protein truncation or nonsense-mediated mRNA decay. Other truncating TTN variants have been reported in approximately 3% of control alleles (Herman et al., 2012). However, c.61881_61884delGAAG is located in the A-band region of titin, where the majority of truncating pathogenic variants associated with dilated cardiomyopathy (DCM) have been reported (Herman et al., 2012). Furthermore, the c.58306_58307delAC variant is not observed in large population cohorts (Lek et al., 2016). We interpret c.58306_58307delAC as a likely pathogenic variant.